The following is an entry in ClinVar:

NM_000059.4(BRCA2):c.67+326G>C

Gene: BRCA2 (BRCA2 DNA repair associated; plus strand). Cytogenetic location: 13q13.1.
Variant type: single nucleotide variant.
Coding change: c.67+326G>C on transcript NM_000059.4 (MANE Select); 326 bases into the intron after coding-DNA position 67, G replaced by C.
Molecular consequence: intron variant.
Genome position (GRCh38, 1-based): chr13:32,316,853, G>C. VCF-style: chr13-32316853-G-C. GRCh37 (hg19) VCF-style: chr13-32890990-G-C.
Other names: IVS 2+326G>C.
Identifiers: ClinVar variation 209604 (VCV000209604.1), dbSNP rs11571575, ClinGen allele CA276573.

ClinVar aggregate classification (germline): Benign (3 of 4 stars; one submission).

Conditions:
Breast-ovarian cancer, familial, susceptibility to, 2 (BROVCA2). Also called: BRCA2 Hereditary Breast and Ovarian Cancer. Identifiers: Orphanet 145, MedGen C2675520, MONDO:0012933, OMIM 612555. Disease mechanism: loss of function.

Allele frequency attached by ClinVar (database versions not stated): TOPMed 0.00381; 1000 Genomes Project 0.00599.
gnomAD v4.1: 573 of 152,246 alleles (0.38%); highest among the groups gnomAD compares: African/African-American, 1.3%; 5 homozygotes.

Submission:

Evidence-based Network for the Interpretation of Germline Mutant Alleles (ENIGMA)
Classification: Benign for Breast-ovarian cancer, familial 2. Last evaluated: 2015-01-12. Review status: reviewed by expert panel. Criteria: ENIGMA BRCA1/2 Classification Criteria (2015). Collection method: curation. Allele origin: germline.
Comment: Class 1 not pathogenic based on frequency >1% in an outbred sampleset. Frequency 0.02642 (African), derived from 1000 genomes (2012-04-30).